The following is an entry in ClinVar:

NM_001845.6(COL4A1):c.1486G>T (p.Ala496Ser)

Gene: COL4A1 (collagen type IV alpha 1 chain; minus strand). Cytogenetic location: 13q34.
Variant type: single nucleotide variant.
Coding change: c.1486G>T on transcript NM_001845.6 (MANE Select); coding-DNA position 1486, G replaced by T.
Protein change: p.Ala496Ser; replaces alanine 496 with serine.
Molecular consequence: missense variant.
Genome position (GRCh38, 1-based): chr13:110,192,264, C>A on the plus strand (G>T on the coding strand, the complement: COL4A1 is on the minus strand). VCF-style: chr13-110192264-C-A. GRCh37 (hg19) VCF-style: chr13-110844611-C-A.
Other names: c.1486G>T, p.Ala496Ser (NM_001303110.2); short protein forms A496S.
Identifiers: ClinVar variation 2745589 (VCV002745589.3), dbSNP rs1343331340, ClinGen allele CA388723415.

ClinVar aggregate classification (germline): Uncertain significance (1 of 4 stars; one submission).

Submission:

Labcorp Genetics (formerly Invitae), Labcorp
Classification: Uncertain significance. Last evaluated: 2023-07-20. Review status: criteria provided, single submitter. Criteria: Invitae Variant Classification Sherloc (09022015). Collection method: clinical testing. Allele origin: germline.
Comment: This sequence change replaces alanine, which is neutral and non-polar, with serine, which is neutral and polar, at codon 496 of the COL4A1 protein (p.Ala496Ser). This variant is not present in population databases (gnomAD no frequency). This variant has not been reported in the literature in individuals affected with COL4A1-related conditions. Advanced modeling of protein sequence and biophysical properties (such as structural, functional, and spatial information, amino acid conservation, physicochemical variation, residue mobility, and thermodynamic stability) performed at Invitae indicates that this missense variant is not expected to disrupt COL4A1 protein function. In summary, the available evidence is currently insufficient to determine the role of this variant in disease. Therefore, it has been classified as a Variant of Uncertain Significance.